The following is an entry in ClinVar:

ClinVar aggregate classification (germline): Likely benign (1 of 4 stars; one submission).

Submission:

CeGaT Center for Human Genetics Tuebingen
Classification: Likely benign. Last evaluated: 2024-07-01. Review status: criteria provided, single submitter. Criteria: CeGaT Center For Human Genetics Tuebingen Variant Classification Criteria Version 2. Collection method: clinical testing. Allele origin: germline. Affected: yes. Observed: 1 variant allele.
Comment: SLC7A7: PM2:Supporting, BP4, BP7

NM_003982.4(SLC7A7):c.1242C>T (p.Leu414=)

Gene: SLC7A7 (solute carrier family 7 member 7; minus strand). Cytogenetic location: 14q11.2.
Variant type: single nucleotide variant.
Coding change: c.1242C>T on transcript NM_003982.4 (MANE Select); coding-DNA position 1242, C replaced by T.
Protein change: p.Leu414=; no amino-acid change (leucine 414 retained).
Molecular consequence: synonymous variant.
Genome position (GRCh38, 1-based): chr14:22,774,357, G>A on the plus strand (C>T on the coding strand, the complement: SLC7A7 is on the minus strand). VCF-style: chr14-22774357-G-A. GRCh37 (hg19) VCF-style: chr14-23243566-G-A.
Other names: c.1242C>T, p.Leu414= (NM_001126105.3, NM_001126106.4).
Identifiers: ClinVar variation 3257413 (VCV003257413.17).